The following is an entry in ClinVar:

NM_003072.5(SMARCA4):c.4584C>A (p.Asp1528Glu)

Gene: SMARCA4 (SWI/SNF related BAF chromatin remodeling complex subunit ATPase 4; plus strand). Cytogenetic location: 19p13.2.
Variant type: single nucleotide variant.
Coding change: c.4584C>A on transcript NM_003072.5 (MANE Select); coding-DNA position 4584, C replaced by A.
Protein change: p.Asp1528Glu; replaces aspartic acid 1528 with glutamic acid.
Molecular consequence: missense variant. On other transcripts: non-coding transcript variant (1).
Genome position (GRCh38, 1-based): chr19:11,058,838, C>A. VCF-style: chr19-11058838-C-A. GRCh37 (hg19) VCF-style: chr19-11169514-C-A.
Other names: c.4584C>A, p.Asp1528Glu (NM_001128844.3); c.4494C>A, p.Asp1498Glu (NM_001128845.2); c.4491C>A, p.Asp1497Glu (NM_001128846.2); c.4485C>A, p.Asp1495Glu (NM_001128847.4, NM_001374457.1); c.4482C>A, p.Asp1494Glu (NM_001128848.2); c.4680C>A, p.Asp1560Glu (NM_001128849.3, NM_001387283.1); c.4581C>A, p.Asp1527Glu (NM_001411150.1); short protein forms D1497E, D1498E, D1494E, D1528E, D1527E, D1495E, D1560E.
Identifiers: ClinVar variation 1742394 (VCV001742394.4), dbSNP rs9105, ClinGen allele CA404078904.

ClinVar aggregate classification (germline): Uncertain significance. Review status: criteria provided, multiple submitters, no conflicts (2 of 4 stars). 2 submissions from 2 submitters: Uncertain significance (2). Last evaluated 2024-05-26.

Conditions:
Hereditary cancer-predisposing syndrome. Also called: Hereditary Cancer Syndrome; Hereditary neoplastic syndrome; Neoplastic Syndromes, Hereditary; Tumor predisposition. Identifiers: Orphanet 140162, MedGen C0027672, MeSH D009386, MONDO:0015356.
Rhabdoid tumor predisposition syndrome 2 (RTPS2). Identifiers: Orphanet 231108, Orphanet 69077, MedGen C2750074, MONDO:0013224, OMIM 613325.

Submissions (2):

Labcorp Genetics (formerly Invitae), Labcorp
Classification: Uncertain significance for Rhabdoid tumor predisposition syndrome 2. Last evaluated: 2024-05-26. Review status: criteria provided, single submitter. Criteria: Invitae Variant Classification Sherloc (09022015). Collection method: clinical testing. Allele origin: germline.
Comment: This sequence change replaces aspartic acid, which is acidic and polar, with glutamic acid, which is acidic and polar, at codon 1560 of the SMARCA4 protein (p.Asp1560Glu). This variant is not present in population databases (gnomAD no frequency). This variant has not been reported in the literature in individuals affected with SMARCA4-related conditions. ClinVar contains an entry for this variant (Variation ID: 1742394). Advanced modeling of protein sequence and biophysical properties (such as structural, functional, and spatial information, amino acid conservation, physicochemical variation, residue mobility, and thermodynamic stability) has been performed at Invitae for this missense variant, however the output from this modeling did not meet the statistical confidence thresholds required to predict the impact of this variant on SMARCA4 protein function. In summary, the available evidence is currently insufficient to determine the role of this variant in disease. Therefore, it has been classified as a Variant of Uncertain Significance.

Ambry Genetics
Classification: Uncertain significance for Hereditary cancer-predisposing syndrome. Last evaluated: 2015-08-03. Review status: criteria provided, single submitter. Criteria: Ambry Variant Classification Scheme 2023. Collection method: clinical testing. Allele origin: germline.
Comment: The p.D1560E variant (also known as c.4680C>A), located in coding exon 32 of the SMARCA4 gene, results from a C to A substitution at nucleotide position 4680. The aspartic acid at codon 1560 is replaced by glutamic acid, an amino acid with highly similar properties. This variant was not reported in population based cohorts in the following databases: Database of Single Nucleotide Polymorphisms (dbSNP), NHLBI Exome Sequencing Project (ESP), and 1000 Genomes Project. In the ESP, this variant was not observed in 6503 samples (13006 alleles) with coverage at this position. This amino acid position is highly conserved in available vertebrate species. In addition, the in silico prediction for this alteration is inconclusive. Since supporting evidence is limited at this time, the clinical significance of p.D1560E remains unclear.